The following is an entry in ClinVar:

ClinVar aggregate classification (germline): Uncertain significance (1 of 4 stars; one submission).

Conditions:
Nemaline myopathy 10 (NEM10). Identifiers: MedGen C4015360, MONDO:0014513, OMIM 616165.

gnomAD v4.1: 21 of 1,554,574 alleles (0.0014%); highest among the groups gnomAD compares: Non-Finnish European, 0.0017%; no homozygotes.

Submission:

Labcorp Genetics (formerly Invitae), Labcorp
Classification: Uncertain significance for Nemaline myopathy 10. Last evaluated: 2020-10-27. Review status: criteria provided, single submitter. Criteria: Invitae Variant Classification Sherloc (09022015). Collection method: clinical testing. Allele origin: germline.
Comment: In summary, the available evidence is currently insufficient to determine the role of this variant in disease. Therefore, it has been classified as a Variant of Uncertain Significance. Algorithms developed to predict the effect of missense changes on protein structure and function output the following: SIFT: "Tolerated"; PolyPhen-2: "Benign"; Align-GVGD: "Class C0". The asparagine amino acid residue is found in multiple mammalian species, suggesting that this missense change does not adversely affect protein function. These predictions have not been confirmed by published functional studies and their clinical significance is uncertain. This variant has not been reported in the literature in individuals with LMOD3-related conditions. This variant is not present in population databases (ExAC no frequency). This sequence change replaces aspartic acid with asparagine at codon 161 of the LMOD3 protein (p.Asp161Asn). The aspartic acid residue is weakly conserved and there is a small physicochemical difference between aspartic acid and asparagine.

NM_198271.5(LMOD3):c.481G>A (p.Asp161Asn)

Gene: LMOD3 (leiomodin 3; minus strand). Cytogenetic location: 3p14.1.
Variant type: single nucleotide variant.
Coding change: c.481G>A on transcript NM_198271.5 (MANE Select); coding-DNA position 481, G replaced by A.
Protein change: p.Asp161Asn; replaces aspartic acid 161 with asparagine.
Molecular consequence: missense variant.
Genome position (GRCh38, 1-based): chr3:69,119,874, C>T on the plus strand (G>A on the coding strand, the complement: LMOD3 is on the minus strand). VCF-style: chr3-69119874-C-T. GRCh37 (hg19) VCF-style: chr3-69169025-C-T.
Other names: c.481G>A, p.Asp161Asn (NM_001304418.3); short protein forms D161N.
Identifiers: ClinVar variation 1011207 (VCV001011207.3), dbSNP rs1019240148, ClinGen allele CA76453750.
Genomic context (GRCh38, chr3:69,119,874, plus strand): 5'-TTTGTTCCTTTGCTTTGCCTTCCTCTTCTCTGTTCGTTTCTTCACTCTCTTCACCATCAT[C>T]TTCTCCTTCGTCGTCATCATCATCATCTTCTTCTTCTTCATCTTCTTCATCTGTTTCTTG-3'
Protein context (NP_938012.2, residues 151-171): EDDDDDDEGE[Asp161Asn]DGEESEETNR